The following is an entry in ClinVar:

ClinVar aggregate classification (germline): Conflicting classifications of pathogenicity. Review status: criteria provided, conflicting classifications (1 of 4 stars). 4 submissions from 4 submitters: Uncertain significance (3); Likely benign (1). Last evaluated 2024-08-20.

Conditions:
Progressive myoclonic epilepsy type 7. Identifiers: Orphanet 435438, MedGen C4015420, MONDO:0014521, OMIM 616187.

Allele frequency attached by ClinVar (database versions not stated): gnomAD 0.00001; TOPMed 0.00001; ExAC 0.00002; gnomAD exomes 0.00003; ESP Exome Variant Server 0.00008.
gnomAD v4.1: 44 of 1,614,086 alleles (0.0027%); highest among the groups gnomAD compares: Non-Finnish European, 0.0035%; no homozygotes.

Submissions (4):

Blueprint Genetics
Classification: Likely benign. Last evaluated: 2024-08-20. Review status: criteria provided, single submitter. Criteria: ACMG Guidelines, 2015. Collection method: clinical testing. Allele origin: germline.

Labcorp Genetics (formerly Invitae), Labcorp
Classification: Uncertain significance for Progressive myoclonic epilepsy type 7. Last evaluated: 2024-05-15. Review status: criteria provided, single submitter. Criteria: Invitae Variant Classification Sherloc (09022015). Collection method: clinical testing. Allele origin: germline.
Comment: This sequence change replaces asparagine, which is neutral and polar, with serine, which is neutral and polar, at codon 470 of the KCNC1 protein (p.Asn470Ser). This variant is present in population databases (rs143588903, gnomAD 0.004%). This variant has not been reported in the literature in individuals affected with KCNC1-related conditions. ClinVar contains an entry for this variant (Variation ID: 931673). Advanced modeling of protein sequence and biophysical properties (such as structural, functional, and spatial information, amino acid conservation, physicochemical variation, residue mobility, and thermodynamic stability) performed at Invitae indicates that this missense variant is not expected to disrupt KCNC1 protein function with a negative predictive value of 95%. In summary, the available evidence is currently insufficient to determine the role of this variant in disease. Therefore, it has been classified as a Variant of Uncertain Significance.

Clinical Genetics Laboratory, Skane University Hospital Lund
Classification: Uncertain significance. Last evaluated: 2023-01-26. Review status: criteria provided, single submitter. Criteria: ACMG Guidelines, 2015. Collection method: clinical testing. Allele origin: germline. Affected: yes.

Centre for Mendelian Genomics, University Medical Centre Ljubljana
Classification: Uncertain significance for Progressive myoclonic epilepsy type 7. Last evaluated: 2019-08-14. Review status: criteria provided, single submitter. Criteria: ACMG Guidelines, 2015. Collection method: clinical testing. Allele origin: unknown. Affected: yes.
Comment: This variant was classified as: Uncertain significance. The available evidence on this variant's pathogenicity is insufficient or conflicting. The following ACMG criteria were applied in classifying this variant: PP2,BS2.

NM_001112741.2(KCNC1):c.1409A>G (p.Asn470Ser)

Gene: KCNC1 (potassium voltage-gated channel subfamily C member 1; plus strand). Cytogenetic location: 11p15.1.
Variant type: single nucleotide variant.
Coding change: c.1409A>G on transcript NM_001112741.2 (MANE Select); coding-DNA position 1409, A replaced by G.
Protein change: p.Asn470Ser; replaces asparagine 470 with serine.
Molecular consequence: missense variant.
Genome position (GRCh38, 1-based): chr11:17,772,503, A>G. VCF-style: chr11-17772503-A-G. GRCh37 (hg19) VCF-style: chr11-17794050-A-G.
Other names: c.1409A>G, p.Asn470Ser (NM_004976.4); short protein forms N470S.
Identifiers: ClinVar variation 931673 (VCV000931673.10), dbSNP rs143588903, ClinGen allele CA5906807.
Genomic context (GRCh38, chr11:17,772,503, plus strand): 5'-AGAAACTACCAAAGAAAAAAAAGAAGCATATTCCGCGGCCACCGCAGCTGGGATCTCCCA[A>G]TTATTGTAAATCTGTCGTAAACTCTCCACACCACAGTACTCAGAGTGACACATGTCCGCT-3'
Protein context (NP_001106212.1, residues 460-480): IPRPPQLGSP[Asn470Ser]YCKSVVNSPH